The following is an entry in ClinVar:

NM_001034853.2(RPGR):c.1375_1376del (p.Val459fs)

Gene: RPGR (retinitis pigmentosa GTPase regulator; minus strand). Cytogenetic location: Xp11.4.
Variant type: Microsatellite.
Coding change: c.1375_1376del on transcript NM_001034853.2 (MANE Select); coding-DNA positions 1375 to 1376, 2 bases deleted (GT; older notation c.1375_1376delGT).
Protein change: p.Val459fs; shifts the reading frame from valine 459.
Molecular consequence: frameshift variant. On other transcripts: non-coding transcript variant (6).
Genome position (GRCh38, 1-based): chrX:38,297,322-38,297,323, AC deleted on the plus strand (GT on the coding strand, the reverse complement: RPGR is on the minus strand); deleting any 2 consecutive bases within chrX:38,297,322-38,297,325 gives the same sequence; the c. name uses the placement nearest the transcript's 3' end. VCF-style (leftmost placement, unchanged base first): chrX-38297321-GAC-G. GRCh37 (hg19) VCF-style: chrX-38156574-GAC-G.
Other names: NM_001034853.2(RPGR):c.1375_1376del; p.Val459fs; c.1375_1376del, p.Val459fs (NM_000328.3, NM_001367247.1); c.1372_1373del, p.Val458fs (NM_001367245.1, NM_001367249.1, NM_001367250.1); c.1189_1190del, p.Val397fs (NM_001367246.1, NM_001367251.1); c.1405_1406del, p.Val469fs (NM_001367248.1); short protein forms V397fs, V458fs, V459fs, V469fs.
Identifiers: ClinVar variation 975133 (VCV000975133.3), dbSNP rs2067404808, ClinGen allele CA2424848227.

ClinVar aggregate classification (germline): Pathogenic. Review status: reviewed by expert panel (3 of 4 stars). 2 submissions from 2 submitters: Pathogenic (1). 1 of the submissions does not count toward it. Last evaluated 2025-08-01.

Conditions:
RPGR-related disorder. Also called: RPGR-related condition.
RPGR-related retinopathy. Also called: RPGR retinopathy. Identifiers: MedGen CN305589, MONDO:0100437.

Submissions (2):

ClinGen X-linked Inherited Retinal Disease Variant Curation Expert Panel, ClinGen
Classification: Pathogenic for RPGR-related retinopathy. Last evaluated: 2025-08-01. Review status: reviewed by expert panel. Criteria: ClinGen X LinkedIRD ACMG Specifications RPGR V1.0.0. Collection method: curation. Allele origin: germline. Inheritance: X-linked inheritance.
Comment: NM_001034853.2(RPGR):c.1375_1376del (p.Val459fs) is a 2-bp deletion variant in exon 11 of 15, which results in a frameshift and premature stop codon and is predicted to trigger nonsense-mediated decay (PVS1). This variant is absent from gnomAD v4.1.0 (PM2_Supporting). The variant has been reported to segregate with retinal dystrophy through at least 2 affected meioses from 1 family (PP1; PMID: 28559085). This variant has been reported in at least 5 apparently unrelated probands (PMIDs: 28559085, 10480356, 34985506, 24154662, 14564670). However, the number of individuals meeting one of the PS4 requirements of some functional vision impairment in affected males by age 30 years, and/or decreased or absent ERG responses was fewer than the requirement of at least 2 unrelated probands, so PS4_Supporting was not met. In summary, this variant is classified as pathogenic for RPGR-related retinopathy based on the ClinGen X-linked Inherited Retinal Disease Expert Panel Specifications to the ACMG/AMP Variant Interpretation Guidelines for RPGR Version 1.0.0; PVS1, PM2_Supporting, and PP1. (date of approval 05/16/2025).

Blueprint Genetics
Classification: Pathogenic for RPGR-related disorders. Last evaluated: 2019-09-02. Review status: criteria provided, single submitter. Criteria: ACMG Guidelines, 2015. Collection method: clinical testing. Allele origin: germline. Affected: yes. Observed: 1 variant allele. Not counted in ClinVar's aggregate classification.